The following is an entry in ClinVar:

NM_007186.6(CEP250):c.5744A>G (p.Gln1915Arg)

Gene: CEP250 (centrosomal protein 250; plus strand). Cytogenetic location: 20q11.22.
Variant type: single nucleotide variant.
Coding change: c.5744A>G on transcript NM_007186.6 (MANE Select); coding-DNA position 5744, A replaced by G.
Protein change: p.Gln1915Arg; replaces glutamine 1915 with arginine.
Molecular consequence: missense variant.
Genome position (GRCh38, 1-based): chr20:35,504,113, A>G. VCF-style: chr20-35504113-A-G. GRCh37 (hg19) VCF-style: chr20-34091941-A-G.
Other names: c.3848A>G, p.Gln1283Arg (NM_001318219.1); short protein forms Q1915R, Q1283R.
Identifiers: ClinVar variation 1035594 (VCV001035594.10), dbSNP rs977837059, ClinGen allele CA314161124.

ClinVar aggregate classification (germline): Uncertain significance (1 of 4 stars; one submission).

Allele frequency attached by ClinVar (database versions not stated): gnomAD exomes below 0.00001 and 0.00001; TOPMed below 0.00001; gnomAD 0.00001.
gnomAD v4.1: 11 of 1,613,282 alleles (0.00068%); highest among the groups gnomAD compares: African/African-American, 0.0013%; no homozygotes.

Submission:

Labcorp Genetics (formerly Invitae), Labcorp
Classification: Uncertain significance. Last evaluated: 2022-02-09. Review status: criteria provided, single submitter. Criteria: Invitae Variant Classification Sherloc (09022015). Collection method: clinical testing. Allele origin: germline.
Comment: This sequence change replaces glutamine, which is neutral and polar, with arginine, which is basic and polar, at codon 1915 of the CEP250 protein (p.Gln1915Arg). This variant is present in population databases (no rsID available, gnomAD 0.003%). This variant has not been reported in the literature in individuals affected with CEP250-related conditions. ClinVar contains an entry for this variant (Variation ID: 1035594). Algorithms developed to predict the effect of missense changes on protein structure and function are either unavailable or do not agree on the potential impact of this missense change (SIFT: "Not Available"; PolyPhen-2: "Probably Damaging"; Align-GVGD: "Not Available"). In summary, the available evidence is currently insufficient to determine the role of this variant in disease. Therefore, it has been classified as a Variant of Uncertain Significance.